The following is an entry in ClinVar:

ClinVar aggregate classification (germline): Pathogenic (1 of 4 stars; one submission).

Conditions:
Bernard Soulier syndrome (BSS). Also called: GLYCOPROTEIN Ib, PLATELET, DEFICIENCY OF; PLATELET GLYCOPROTEIN Ib DEFICIENCY; VON WILLEBRAND FACTOR RECEPTOR DEFICIENCY; Giant platelet syndrome; Hemorrhagiparous thrombocytic dystrophy; Giant platelet disease. Identifiers: Orphanet 274, MedGen C0005129, MeSH D001606, MONDO:0009276, OMIM 231200.

Submission:

ISTH-SSC Genomics in Thrombosis and Hemostasis, KU Leuven, Center for Molecular and Vascular Biology
Classification: Pathogenic for Bernard Soulier syndrome. Review status: criteria provided, single submitter. Criteria: ACMG Guidelines, 2015. Collection method: clinical testing. Allele origin: germline. Affected: yes. Observed: 1 heterozygote.
Comment: Submitted to the GoldVariant database by Dr Marie-Christine Morel-Kopp; Northern Blood Research Centre, Sydney, Australia

NM_000407.5(GP1BB):c.124_145del (p.Arg42fs)

Genes: GP1BB (glycoprotein Ib platelet subunit beta; plus strand), SEPT5-GP1BB (SEPT5-GP1BB readthrough; plus strand). Cytogenetic location: 22q11.21.
Variant type: Deletion.
Coding change: c.124_145del on transcript NM_000407.5 (MANE Select); coding-DNA positions 124 to 145, 22 bases deleted (CGCGGGCTGACTTGGGCCTCGC).
Protein change: p.Arg42fs; shifts the reading frame from arginine 42.
Molecular consequence: frameshift variant. On other transcripts: non-coding transcript variant (2).
Genome position (GRCh38, 1-based): chr22:19,723,967-19,723,988, CGCGGGCTGACTTGGGCCTCGC deleted; deleting any 22 consecutive bases within chr22:19,723,964-19,723,988 gives the same sequence; the c. name uses the placement nearest the transcript's 3' end. VCF-style (leftmost placement, unchanged base first): chr22-19723963-GCGCCGCGGGCTGACTTGGGCCT-G. GRCh37 (hg19) VCF-style: chr22-19711486-GCGCCGCGGGCTGACTTGGGCCT-G.
Other names: c.121_142del (NM_000407.5); short protein forms R42fs.
Identifiers: ClinVar variation 2572122 (VCV002572122.1), dbSNP rs1216332861, ClinGen allele CA638504340.